The following is an entry in ClinVar:

NM_001365276.2(TNXB):c.551C>G (p.Ser184Trp)

Gene: TNXB (tenascin XB; minus strand). Cytogenetic location: 6p21.33.
Variant type: single nucleotide variant.
Coding change: c.551C>G on transcript NM_001365276.2 (MANE Select); coding-DNA position 551, C replaced by G.
Protein change: p.Ser184Trp; replaces serine 184 with tryptophan.
Molecular consequence: missense variant.
Genome position (GRCh38, 1-based): chr6:32,097,302, G>C on the plus strand (C>G on the coding strand, the complement: TNXB is on the minus strand). VCF-style: chr6-32097302-G-C. GRCh37 (hg19) VCF-style: chr6-32065079-G-C.
Other names: c.551C>G, p.Ser184Trp (NM_001428335.1, NM_019105.8); short protein forms S184W.
Identifiers: ClinVar variation 4615168 (VCV004615168.2).

ClinVar aggregate classification (germline): Uncertain significance. Review status: criteria provided, multiple submitters, no conflicts (2 of 4 stars). 2 submissions from 2 submitters: Uncertain significance (2). Last evaluated 2025-11-02.

Conditions:
TNXB-related disorder. Also called: TNXB-related condition.
Cardiovascular phenotype. Identifiers: MedGen CN230736.

gnomAD v4.1: 8 of 1,613,610 alleles (0.0005%); highest among the groups gnomAD compares: Non-Finnish European, 0.00059%; no homozygotes.

Submissions (2):

Ambry Genetics
Classification: Uncertain significance for Cardiovascular phenotype. Last evaluated: 2025-11-02. Review status: criteria provided, single submitter. Criteria: Ambry Variant Classification Scheme 2023. Collection method: clinical testing. Allele origin: germline.
Comment: The p.S184W variant (also known as c.551C>G), located in coding exon 2 of the TNXB gene, results from a C to G substitution at nucleotide position 551. The serine at codon 184 is replaced by tryptophan, an amino acid with highly dissimilar properties. This amino acid position is conserved. In addition, this alteration is predicted to be tolerated by in silico analysis. Based on the available evidence, the clinical significance of this variant remains unclear.

PreventionGenetics, part of Exact Sciences
Classification: Uncertain significance for TNXB-related condition. Last evaluated: 2024-10-18. Review status: criteria provided, single submitter. Criteria: ACMG Guidelines, 2015. Collection method: clinical testing. Allele origin: germline.
Comment: The TNXB c.551C>G variant is predicted to result in the amino acid substitution p.Ser184Trp. To our knowledge, this variant has not been reported in the literature. This variant is reported in 0.0053% of alleles in individuals of European (Non-Finnish) descent in gnomAD. At this time, the clinical significance of this variant is uncertain due to the absence of conclusive functional and genetic evidence.